The following is an entry in ClinVar:

ClinVar aggregate classification (germline): Likely benign (1 of 4 stars; one submission).

gnomAD v4.1: 1,697 of 1,613,070 alleles (0.11%); highest among the groups gnomAD compares: Middle Eastern, 0.16%; 1 homozygote.

Submission:

CeGaT Center for Human Genetics Tuebingen
Classification: Likely benign. Last evaluated: 2026-08-01. Review status: criteria provided, single submitter. Criteria: CeGaT Center For Human Genetics Tuebingen Variant Classification Criteria Version 2. Collection method: clinical testing. Allele origin: germline. Affected: yes. Observed: 1 variant allele.
Comment: UBD: BP4, BP7

NM_006398.4(UBD):c.156G>A (p.Leu52=)

Genes: OR2I1 (olfactory receptor family 2 subfamily I member 1 (gene/pseudogene); plus strand), UBD (ubiquitin like modifier D; minus strand). Cytogenetic location: 6p22.1.
Variant type: single nucleotide variant.
Coding change: c.156G>A on transcript NM_006398.4 (MANE Select); coding-DNA position 156, G replaced by A.
Protein change: p.Leu52=; no amino-acid change (leucine 52 retained).
Molecular consequence: synonymous variant. On other transcripts: 3 prime UTR variant (1).
Genome position (GRCh38, 1-based): chr6:29,556,222, C>T on the plus strand (G>A on the coding strand, the complement: UBD is on the minus strand). VCF-style: chr6-29556222-C-T. GRCh37 (hg19) VCF-style: chr6-29523999-C-T.
Other names: c.*2056C>T (NM_001396058.1).
Identifiers: ClinVar variation 5038613 (VCV005038613.1).